The following is an entry in ClinVar:

ClinVar aggregate classification (germline): Uncertain significance (1 of 4 stars; one submission).

Conditions:
Emery-Dreifuss muscular dystrophy 4, autosomal dominant (EDMD4). Also called: EMERY-DREIFUSS MUSCULAR DYSTROPHY 4 WITH VARIABLE FEATURES. Identifiers: Orphanet 261, MedGen C2751807, MONDO:0013071, OMIM 612998.
Autosomal recessive ataxia, Beauce type. Also called: Spinocerebellar ataxia, autosomal recessive 8; ATAXIA, RECESSIVE, OF BEAUCE; SYNE1-Related Autosomal Recessive Cerebellar Ataxia; SYNE1 Deficiency. Identifiers: Orphanet 88644, MedGen C1853116, MONDO:0012549, OMIM 610743.

Allele frequency attached by ClinVar (database versions not stated): gnomAD exomes below 0.00001; TOPMed 0.00001.
gnomAD v4.1: 13 of 1,614,196 alleles (0.00081%); highest among the groups gnomAD compares: African/African-American, 0.0053%; no homozygotes.

Submission:

Labcorp Genetics (formerly Invitae), Labcorp
Classification: Uncertain significance for Emery-Dreifuss muscular dystrophy 4, autosomal dominant; Autosomal recessive ataxia, Beauce type. Last evaluated: 2022-09-15. Review status: criteria provided, single submitter. Criteria: Invitae Variant Classification Sherloc (09022015). Collection method: clinical testing. Allele origin: germline.
Comment: This sequence change replaces histidine, which is basic and polar, with tyrosine, which is neutral and polar, at codon 6592 of the SYNE1 protein (p.His6592Tyr). This variant is present in population databases (rs112272270, gnomAD 0.003%). This variant has not been reported in the literature in individuals affected with SYNE1-related conditions. Algorithms developed to predict the effect of missense changes on protein structure and function are either unavailable or do not agree on the potential impact of this missense change (SIFT: "Deleterious"; PolyPhen-2: "Benign"; Align-GVGD: "Class C65"). In summary, the available evidence is currently insufficient to determine the role of this variant in disease. Therefore, it has been classified as a Variant of Uncertain Significance.

NM_182961.4(SYNE1):c.19987C>T (p.His6663Tyr)

Gene: SYNE1 (spectrin repeat containing nuclear envelope protein 1; minus strand). Cytogenetic location: 6q25.2.
Variant type: single nucleotide variant.
Coding change: c.19987C>T on transcript NM_182961.4 (MANE Select); coding-DNA position 19987, C replaced by T.
Protein change: p.His6663Tyr; replaces histidine 6663 with tyrosine.
Molecular consequence: missense variant.
Genome position (GRCh38, 1-based): chr6:152,239,613, G>A on the plus strand (C>T on the coding strand, the complement: SYNE1 is on the minus strand). VCF-style: chr6-152239613-G-A. GRCh37 (hg19) VCF-style: chr6-152560748-G-A.
Other names: c.19774C>T, p.His6592Tyr (NM_033071.5); short protein forms H6663Y, H6592Y.
Identifiers: ClinVar variation 2199260 (VCV002199260.1), dbSNP rs112272270, ClinGen allele CA150195012.